The following is an entry in ClinVar:

NM_001386393.1(PANK2):c.887A>T (p.Lys296Ile)

Gene: PANK2 (pantothenate kinase 2; plus strand). Cytogenetic location: 20p13.
Variant type: single nucleotide variant.
Coding change: c.887A>T on transcript NM_001386393.1 (MANE Select); coding-DNA position 887, A replaced by T.
Protein change: p.Lys296Ile; replaces lysine 296 with isoleucine.
Molecular consequence: missense variant. On other transcripts: 5 prime UTR variant (1), non-coding transcript variant (1).
Genome position (GRCh38, 1-based): chr20:3,910,812, A>T. VCF-style: chr20-3910812-A-T. GRCh37 (hg19) VCF-style: chr20-3891459-A-T.
Other names: c.344A>T, p.Lys115Ile (NM_001324191.2, NM_024960.6, NM_153640.4); c.-92A>T (NM_001324193.2); c.1217A>T, p.Lys406Ile (NM_153638.4); short protein forms K115I, K296I, K406I.
Identifiers: ClinVar variation 2627507 (VCV002627507.4), dbSNP rs763608502, ClinGen allele CA408115727.

ClinVar aggregate classification (germline): Conflicting classifications of pathogenicity. Review status: criteria provided, conflicting classifications (1 of 4 stars). 2 submissions from 2 submitters: Likely pathogenic (1); Uncertain significance (1). Last evaluated 2023-08-31.

Conditions:
Pigmentary pallidal degeneration (NBIA1). Also called: Neuroaxonal dystrophy, late infantile; Hallervorden-Spatz disease; Pantothenate Kinase-Associated Neurodegeneration; Neurodegeneration with brain iron accumulation 1; PKAN NEUROAXONAL DYSTROPHY, JUVENILE-ONSET; HARP SYNDROME. Identifiers: Orphanet 157850, MedGen C0018523, MONDO:0009319, OMIM 234200.

Submissions (2):

Labcorp Genetics (formerly Invitae), Labcorp
Classification: Likely pathogenic for Pigmentary pallidal degeneration. Last evaluated: 2023-08-31. Review status: criteria provided, single submitter. Criteria: Invitae Variant Classification Sherloc (09022015). Collection method: clinical testing. Allele origin: germline.
Comment: This variant is not present in population databases (gnomAD no frequency). This missense change has been observed in individual(s) with autosomal recessive neurodegeneration with brain iron accumulation (PMID: 28681788, 34272103). Advanced modeling of protein sequence and biophysical properties (such as structural, functional, and spatial information, amino acid conservation, physicochemical variation, residue mobility, and thermodynamic stability) performed at Invitae indicates that this missense variant is expected to disrupt PANK2 protein function. In summary, the currently available evidence indicates that the variant is pathogenic, but additional data are needed to prove that conclusively. Therefore, this variant has been classified as Likely Pathogenic. This sequence change replaces lysine, which is basic and polar, with isoleucine, which is neutral and non-polar, at codon 406 of the PANK2 protein (p.Lys406Ile).

Neuberg Centre For Genomic Medicine, NCGM
Classification: Uncertain significance for Pigmentary pallidal degeneration. Review status: criteria provided, single submitter. Criteria: ACMG Guidelines, 2015. Collection method: clinical testing. Allele origin: germline. Inheritance: Autosomal recessive inheritance. Affected: yes.
Comment: The p.K406I variant is novel (not in any individuals) in gnomAD Exomes and is novel (not in any individuals) in 1000 Genomes. There is a moderate physicochemical difference between lysine and isoleucine. The p.K406I missense variant is predicted to be damaging by both SIFT and PolyPhen2. The lysine residue at codon 406 of PANK2 is conserved in all mammalian species. The nucleotide c.1217 in PANK2 is predicted conserved by GERP++ and PhyloP across 100 vertebrates. For these reasons, this variant has been classified as Uncertain Significance.

Literature cited by the submitters: PubMed 28681788 (cited by Labcorp Genetics (formerly Invitae), Labcorp); PubMed 34272103 (cited by Labcorp Genetics (formerly Invitae), Labcorp).